The following is an entry in ClinVar:

NM_000278.5(PAX2):c.533C>G (p.Ser178Cys)

Gene: PAX2 (paired box 2; plus strand). Cytogenetic location: 10q24.31.
Variant type: single nucleotide variant.
Coding change: c.533C>G on transcript NM_000278.5 (MANE Select); coding-DNA position 533, C replaced by G.
Protein change: p.Ser178Cys; replaces serine 178 with cysteine.
Molecular consequence: missense variant.
Genome position (GRCh38, 1-based): chr10:100,781,282, C>G. VCF-style: chr10-100781282-C-G. GRCh37 (hg19) VCF-style: chr10-102541039-C-G.
Other names: c.626C>G, p.Ser209Cys (NM_001304569.2); c.533C>G, p.Ser178Cys (NM_003987.5, NM_003988.5, NM_003989.5 and 1 more transcripts); short protein forms S209C, S178C.
Identifiers: ClinVar variation 1467364 (VCV001467364.7), dbSNP rs2133897760, ClinGen allele CA378258496.
Genomic context (GRCh38, chr10:100,781,282, plus strand): 5'-CATTTCCTCCTTCCTCTCATCCAGTTCCCAGCACGGCCTCCCCTCCTGTTTCCAGCGCCT[C>G]CAATGACCCAGTGGGATCCTACTCCATCAATGGGATCCTGGGGATTCCTCGCTCCAATGG-3'
Protein context (NP_000269.3, residues 168-188): STASPPVSSA[Ser178Cys]NDPVGSYSIN

ClinVar aggregate classification (germline): Uncertain significance. Review status: criteria provided, multiple submitters, no conflicts (2 of 4 stars). 2 submissions from 2 submitters: Uncertain significance (2). Last evaluated 2021-04-14.

Conditions:
Focal segmental glomerulosclerosis 7 (FSGS7). Identifiers: Orphanet 656, MedGen C4014925, MONDO:0014451, OMIM 616002.
Renal coloboma syndrome (PAPRS). Also called: CONGENITAL ANOMALIES OF THE KIDNEY AND URINARY TRACT WITH OR WITHOUT OCULAR ABNORMALITIES; CAKUT WITH OR WITHOUT OCULAR ABNORMALITIES; PAPILLORENAL SYNDROME; COLOBOMA OF OPTIC NERVE WITH RENAL DISEASE; PAPILLORENAL SYNDROME WITH MILD OCULAR ABNORMALITIES; OPTIC COLOBOMA, VESICOURETERAL REFLUX, AND RENAL ANOMALIES. Identifiers: Orphanet 1475, MedGen C1852759, MONDO:0007352, OMIM 120330.

Allele frequency attached by ClinVar (database versions not stated): gnomAD exomes below 0.00001.
gnomAD v4.1: 2 of 1,613,890 alleles (0.00012%); highest among the groups gnomAD compares: Non-Finnish European, 0.00017%; no homozygotes.

Submissions (2):

Blueprint Genetics
Classification: Uncertain significance. Last evaluated: 2021-04-14. Review status: criteria provided, single submitter. Criteria: ACMG Guidelines, 2015. Collection method: clinical testing. Allele origin: germline.

Labcorp Genetics (formerly Invitae), Labcorp
Classification: Uncertain significance for Renal coloboma syndrome; Focal segmental glomerulosclerosis 7. Last evaluated: 2021-02-13. Review status: criteria provided, single submitter. Criteria: Invitae Variant Classification Sherloc (09022015). Collection method: clinical testing. Allele origin: germline.
Comment: This sequence change replaces serine with cysteine at codon 178 of the PAX2 protein (p.Ser178Cys). The serine residue is highly conserved and there is a moderate physicochemical difference between serine and cysteine. This variant is not present in population databases (ExAC no frequency). This variant has not been reported in the literature in individuals with PAX2-related conditions. Experimental studies and prediction algorithms are not available or were not evaluated, and the functional significance of this variant is currently unknown. In summary, the available evidence is currently insufficient to determine the role of this variant in disease. Therefore, it has been classified as a Variant of Uncertain Significance.